The following is an entry in ClinVar:

ClinVar aggregate classification (germline): Uncertain significance (1 of 4 stars; one submission).

Conditions:
Hereditary spastic paraplegia 39 (SPG39). Also called: SPASTIC PARAPLEGIA 39, AUTOSOMAL RECESSIVE; Spastic Paraplegia Type 39 (SPG39). Identifiers: Orphanet 139480, MedGen C2677586, MONDO:0012787, OMIM 612020.

Allele frequency attached by ClinVar (database versions not stated): gnomAD exomes below 0.00001; gnomAD 0.00001; TOPMed 0.00001.
gnomAD v4.1: 5 of 1,613,542 alleles (0.00031%); highest among the groups gnomAD compares: Non-Finnish European, 0.00034%; no homozygotes.

Submission:

Labcorp Genetics (formerly Invitae), Labcorp
Classification: Uncertain significance for Hereditary spastic paraplegia 39. Last evaluated: 2022-02-20. Review status: criteria provided, single submitter. Criteria: Invitae Variant Classification Sherloc (09022015). Collection method: clinical testing. Allele origin: germline.
Comment: This variant has not been reported in the literature in individuals affected with PNPLA6-related conditions. This variant is present in population databases (no rsID available, gnomAD 0.0009%). This sequence change replaces alanine, which is neutral and non-polar, with valine, which is neutral and non-polar, at codon 988 of the PNPLA6 protein (p.Ala988Val). Algorithms developed to predict the effect of missense changes on protein structure and function are either unavailable or do not agree on the potential impact of this missense change (SIFT: "Tolerated"; PolyPhen-2: "Possibly Damaging"; Align-GVGD: "Class C0"). In summary, the available evidence is currently insufficient to determine the role of this variant in disease. Therefore, it has been classified as a Variant of Uncertain Significance.

NM_001166114.2(PNPLA6):c.3077C>T (p.Ala1026Val)

Gene: PNPLA6 (patatin like domain 6, lysophospholipase; plus strand). Cytogenetic location: 19p13.2.
Variant type: single nucleotide variant.
Coding change: c.3077C>T on transcript NM_001166114.2 (MANE Select); coding-DNA position 3077, C replaced by T.
Protein change: p.Ala1026Val; replaces alanine 1026 with valine.
Molecular consequence: missense variant.
Genome position (GRCh38, 1-based): chr19:7,555,747, C>T. VCF-style: chr19-7555747-C-T. GRCh37 (hg19) VCF-style: chr19-7620633-C-T.
Other names: c.3107C>T, p.Ala1036Val (NM_001166111.2); c.2882C>T, p.Ala961Val (NM_001166112.2); c.2963C>T, p.Ala988Val (NM_001166113.1, NM_006702.5); short protein forms A961V, A988V, A1026V, A1036V.
Identifiers: ClinVar variation 1941556 (VCV001941556.3), dbSNP rs1218391370, ClinGen allele CA403132122.